The following is an entry in ClinVar:

NM_178138.6(LHX3):c.956C>A (p.Pro319Gln)

Gene: LHX3 (LIM homeobox 3; minus strand). Cytogenetic location: 9q34.3.
Variant type: single nucleotide variant.
Coding change: c.956C>A on transcript NM_178138.6 (MANE Select); coding-DNA position 956, C replaced by A.
Protein change: p.Pro319Gln; replaces proline 319 with glutamine.
Molecular consequence: missense variant.
Genome position (GRCh38, 1-based): chr9:136,197,563, G>T on the plus strand (C>A on the coding strand, the complement: LHX3 is on the minus strand). VCF-style: chr9-136197563-G-T. GRCh37 (hg19) VCF-style: chr9-139089409-G-T.
Other names: c.971C>A (NM_014564.3, NM_014564.4); c.923C>A, p.Pro308Gln (NM_001363746.1); c.971C>A, p.Pro324Gln (NM_014564.5); short protein forms P319Q, P324Q, P308Q.
Identifiers: ClinVar variation 2139322 (VCV002139322.5), dbSNP rs756558732, ClinGen allele CA5330285.

ClinVar aggregate classification (germline): Uncertain significance. Review status: criteria provided, multiple submitters, no conflicts (2 of 4 stars). 3 submissions from 3 submitters: Uncertain significance (3). Last evaluated 2023-10-02.

Conditions:
LHX3-related disorder. Also called: LHX3-related condition.
Inborn genetic diseases. Identifiers: MedGen C0950123, MeSH D030342.
Pituitary hormone deficiency, combined, 1 (CPHD1). Also called: Pituitary hormone deficiency, combined or isolated, 1. Identifiers: MedGen C2751608, MONDO:0024464, OMIM 613038.

Allele frequency attached by ClinVar (database versions not stated): TOPMed 0.00004; gnomAD 0.00005.

Submissions (3):

PreventionGenetics, part of Exact Sciences
Classification: Uncertain significance for LHX3-related condition. Last evaluated: 2023-10-02. Review status: criteria provided, single submitter. Criteria: ACMG Guidelines, 2015. Collection method: clinical testing. Allele origin: germline.
Comment: The LHX3 c.971C>A variant is predicted to result in the amino acid substitution p.Pro324Gln. To our knowledge, this variant has not been reported in the literature. This variant is reported in 0.013% of alleles in individuals of European (Non-Finnish) descent in gnomAD. At this time, the clinical significance of this variant is uncertain due to the absence of conclusive functional and genetic evidence.

Ambry Genetics
Classification: Uncertain significance for Inborn genetic diseases. Last evaluated: 2023-06-12. Review status: criteria provided, single submitter. Criteria: Ambry Variant Classification Scheme 2023. Collection method: clinical testing. Allele origin: germline.

Labcorp Genetics (formerly Invitae), Labcorp
Classification: Uncertain significance. Last evaluated: 2022-02-05. Review status: criteria provided, single submitter. Criteria: Invitae Variant Classification Sherloc (09022015). Collection method: clinical testing. Allele origin: germline.
Comment: This sequence change replaces proline, which is neutral and non-polar, with glutamine, which is neutral and polar, at codon 324 of the LHX3 protein (p.Pro324Gln). This variant is present in population databases (rs756558732, gnomAD 0.01%). This variant has not been reported in the literature in individuals affected with LHX3-related conditions. Algorithms developed to predict the effect of missense changes on protein structure and function output the following: SIFT: "Not Available"; PolyPhen-2: "Benign"; Align-GVGD: "Not Available". The glutamine amino acid residue is found in multiple mammalian species, which suggests that this missense change does not adversely affect protein function. In summary, the available evidence is currently insufficient to determine the role of this variant in disease. Therefore, it has been classified as a Variant of Uncertain Significance.